The following is an entry in ClinVar:

NM_138694.4(PKHD1):c.50C>T (p.Ala17Val)

Gene: PKHD1 (PKHD1 ciliary IPT domain containing fibrocystin/polyductin; minus strand). Cytogenetic location: 6p12.2.
Variant type: single nucleotide variant.
Coding change: c.50C>T on transcript NM_138694.4 (MANE Select); coding-DNA position 50, C replaced by T.
Protein change: p.Ala17Val; replaces alanine 17 with valine.
Molecular consequence: missense variant.
Genome position (GRCh38, 1-based): chr6:52,084,884, G>A on the plus strand (C>T on the coding strand, the complement: PKHD1 is on the minus strand). VCF-style: chr6-52084884-G-A. GRCh37 (hg19) VCF-style: chr6-51949682-G-A.
Other names: c.50C>T, p.Ala17Val (NM_170724.3); short protein forms A17V.
Identifiers: ClinVar variation 2734908 (VCV002734908.4), dbSNP rs755654557, ClinGen allele CA138936787.
Genomic context (GRCh38, chr6:52,084,884, plus strand): 5'-TCTCAAGGTAACCTATTGTGTTCTTACCTATAATTCCTTCAAAACACATTCTACTGACCT[G>A]CCAAAAGTAGTACTTCAATACTCATCAGAGAGATCAGCCAGGCAGTCATTCTGTCCACTT-3'
Protein context (NP_619639.3, residues 7-27): SLMSIEVLLL[Ala17Val]VRHLSLHIEP

ClinVar aggregate classification (germline): Uncertain significance. Review status: criteria provided, multiple submitters, no conflicts (2 of 4 stars). 2 submissions from 2 submitters: Uncertain significance (2). Last evaluated 2024-04-02.

Conditions:
Autosomal recessive polycystic kidney disease (ARPKD). Also called: AR polycystic kidney disease. Identifiers: Orphanet 731, Orphanet 8378, MedGen C0085548, MeSH D017044, MONDO:0009889.
Polycystic kidney disease 4 (PKD4). Also called: Autosomal Recessive Polycystic Kidney Disease – PKHD1; POLYCYSTIC KIDNEY AND HEPATIC DISEASE 1; POLYCYSTIC KIDNEY DISEASE, INFANTILE, TYPE I; POLYCYSTIC KIDNEY DISEASE 4 WITH OR WITHOUT POLYCYSTIC LIVER DISEASE; PKD3. Identifiers: MedGen C4540575, MONDO:0033004, OMIM 263200.

Allele frequency attached by ClinVar (database versions not stated): gnomAD exomes 0.00001.
gnomAD v4.1: 19 of 1,593,308 alleles (0.0012%); highest among the groups gnomAD compares: Non-Finnish European, 0.0016%; no homozygotes.

Submissions (2):

Fulgent Genetics
Classification: Uncertain significance for Polycystic kidney disease 4. Last evaluated: 2024-04-02. Review status: criteria provided, single submitter. Criteria: ACMG Guidelines, 2015. Collection method: clinical testing. Allele origin: germline.

Labcorp Genetics (formerly Invitae), Labcorp
Classification: Uncertain significance for Autosomal recessive polycystic kidney disease. Last evaluated: 2023-03-04. Review status: criteria provided, single submitter. Criteria: Invitae Variant Classification Sherloc (09022015). Collection method: clinical testing. Allele origin: germline.
Comment: In summary, the available evidence is currently insufficient to determine the role of this variant in disease. Therefore, it has been classified as a Variant of Uncertain Significance. Algorithms developed to predict the effect of sequence changes on RNA splicing suggest that this variant may disrupt the consensus splice site. An algorithm developed to predict the effect of missense changes on protein structure and function (PolyPhen-2) suggests that this variant is likely to be tolerated. This missense change has been observed in individual(s) with clinical features of polycystic kidney disease (PMID: 12846734). In at least one individual the data is consistent with being in trans (on the opposite chromosome) from a pathogenic variant. This variant is not present in population databases (gnomAD no frequency). This sequence change replaces alanine, which is neutral and non-polar, with valine, which is neutral and non-polar, at codon 17 of the PKHD1 protein (p.Ala17Val).

Literature cited by the submitters: PubMed 12846734 (cited by Labcorp Genetics (formerly Invitae), Labcorp).